The following is an entry in ClinVar:

NM_001165963.4(SCN1A):c.995A>T (p.Asp332Val)

Gene: SCN1A (sodium voltage-gated channel alpha subunit 1; minus strand). Cytogenetic location: 2q24.3.
Variant type: single nucleotide variant.
Coding change: c.995A>T on transcript NM_001165963.4 (MANE Select); coding-DNA position 995, A replaced by T.
Protein change: p.Asp332Val; replaces aspartic acid 332 with valine.
Molecular consequence: missense variant. On other transcripts: 5 prime UTR variant (1), non-coding transcript variant (1).
Genome position (GRCh38, 1-based): chr2:166,048,919, T>A on the plus strand (A>T on the coding strand, the complement: SCN1A is on the minus strand). VCF-style: chr2-166048919-T-A. GRCh37 (hg19) VCF-style: chr2-166905429-T-A.
Other names: c.995A>T, p.Asp332Val (NM_001353952.2, NM_001353954.2, NM_001353955.2 and 10 more transcripts); c.-1431A>T (NM_001353961.2); short protein forms D332V.
Identifiers: ClinVar variation 2498841 (VCV002498841.28), dbSNP rs796052969, ClinGen allele CA349071646.

ClinVar aggregate classification (germline): Uncertain significance (1 of 4 stars; one submission).

Submission:

CeGaT Center for Human Genetics Tuebingen
Classification: Uncertain significance. Last evaluated: 2023-05-01. Review status: criteria provided, single submitter. Criteria: CeGaT Center For Human Genetics Tuebingen Variant Classification Criteria Version 2. Collection method: clinical testing. Allele origin: germline. Affected: yes. Observed: 2 variant alleles.
Comment: SCN1A: PM1, PM2, PP2